The following is an entry in ClinVar:

ClinVar aggregate classification (germline): Conflicting classifications of pathogenicity. Review status: criteria provided, conflicting classifications (1 of 4 stars). 3 submissions from 3 submitters: Uncertain significance (1); Likely benign (2). Last evaluated 2026-02-01.

Conditions:
PHKA1-related disorder. Also called: PHKA1-related condition.
Glycogen storage disease IXd (GSD9D). Also called: Muscle Phosphorylase Kinase Deficiency; GSD IXd. Identifiers: Orphanet 715, MedGen C1845151, MONDO:0010362, OMIM 300559.

Allele frequency attached by ClinVar (database versions not stated): gnomAD 0.00003; TOPMed 0.00011; ExAC 0.00023; gnomAD exomes 0.00023.
gnomAD v4.1: 44 of 1,204,742 alleles (0.0037%); highest among the groups gnomAD compares: Admixed American, 0.094%; no homozygotes.

Submissions (3):

Labcorp Genetics (formerly Invitae), Labcorp
Classification: Likely benign for Glycogen storage disease IXd. Last evaluated: 2026-02-01. Review status: criteria provided, single submitter. Criteria: Invitae Variant Classification Sherloc (09022015). Collection method: clinical testing. Allele origin: germline.

GeneDx
Classification: Uncertain significance. Last evaluated: 2025-10-22. Review status: criteria provided, single submitter. Criteria: GeneDx Variant Classification Process June 2021. Collection method: clinical testing. Allele origin: germline. Affected: yes.
Comment: In silico analysis supports that this missense variant has a deleterious effect on protein structure/function; Has not been previously published as pathogenic or benign to our knowledge

PreventionGenetics, part of Exact Sciences
Classification: Likely benign for PHKA1-related condition. Last evaluated: 2025-09-09. Review status: criteria provided, single submitter. Criteria: ACMG Guidelines, 2015. Collection method: clinical testing. Allele origin: germline.
Comment: This variant is classified as likely benign based on ACMG/AMP sequence variant interpretation guidelines (Richards et al. 2015 PMID: 25741868, with internal and published modifications).

NM_002637.4(PHKA1):c.2578C>T (p.Pro860Ser)

Gene: PHKA1 (phosphorylase kinase regulatory subunit alpha 1; minus strand). Cytogenetic location: Xq13.1.
Variant type: single nucleotide variant.
Coding change: c.2578C>T on transcript NM_002637.4 (MANE Select); coding-DNA position 2578, C replaced by T.
Protein change: p.Pro860Ser; replaces proline 860 with serine.
Molecular consequence: missense variant.
Genome position (GRCh38, 1-based): chrX:72,609,652, G>A on the plus strand (C>T on the coding strand, the complement: PHKA1 is on the minus strand). VCF-style: chrX-72609652-G-A. GRCh37 (hg19) VCF-style: chrX-71829502-G-A.
Other names: c.2578C>T, p.Pro860Ser (NM_001122670.2); c.2401C>T, p.Pro801Ser (NM_001172436.2); short protein forms P860S, P801S.
Identifiers: ClinVar variation 714191 (VCV000714191.11), dbSNP rs781963831, ClinGen allele CA10450661.